The following is an entry in ClinVar:

ClinVar aggregate classification (germline): Pathogenic (1 of 4 stars; one submission).

Conditions:
Neurofibromatosis, type 1 (NF1). Also called: Peripheral type neurofibromatosis; Neurofibromatosis, type I; VON RECKLINGHAUSEN DISEASE; NEUROFIBROMATOSIS, TYPE I, SOMATIC. Identifiers: Orphanet 636, MedGen C0027831, MONDO:0018975, OMIM 162200. Disease mechanism: loss of function.

Submission:

Labcorp Genetics (formerly Invitae), Labcorp
Classification: Pathogenic for Neurofibromatosis, type 1. Last evaluated: 2021-08-10. Review status: criteria provided, single submitter. Criteria: Invitae Variant Classification Sherloc (09022015). Collection method: clinical testing. Allele origin: germline.
Comment: This sequence change creates a premature translational stop signal (p.Leu298Phefs*19) in the NF1 gene. It is expected to result in an absent or disrupted protein product. Loss-of-function variants in NF1 are known to be pathogenic (PMID: 10712197, 23913538). This variant is not present in population databases (ExAC no frequency). This variant has not been reported in the literature in individuals affected with NF1-related conditions. For these reasons, this variant has been classified as Pathogenic.

Literature cited by the submitters: PubMed 10712197; PubMed 23913538.

NM_001042492.3(NF1):c.894del (p.Leu298fs)

Gene: NF1 (neurofibromin 1; plus strand). Cytogenetic location: 17q11.2.
Variant type: Deletion.
Coding change: c.894del on transcript NM_001042492.3 (MANE Select); coding-DNA position 894, one base deleted (A; older notation c.894delA).
Protein change: p.Leu298fs; shifts the reading frame from leucine 298.
Molecular consequence: frameshift variant.
Genome position (GRCh38, 1-based): chr17:31,200,427, A deleted. VCF-style (leftmost placement, unchanged base first): chr17-31200426-TA-T. GRCh37 (hg19) VCF-style: chr17-29527444-TA-T.
Other names: c.894del, p.Leu298fs (NM_001128147.3); c.894delA, p.Leu298Phefs (NM_000267.4); short protein forms L298fs.
Identifiers: ClinVar variation 1410409 (VCV001410409.6), dbSNP rs2143872026, ClinGen allele CA2573153753.
Genomic context (GRCh38, chr17:31,200,426, plus strand): 5'-ATCTGGAATAGAAGAAACTTCATATATTATCTTATCGCTATATTTGAATTCTGTAGAAGT[TA>T]TTTCTGGACAGTCTACGAAAAGCTCTTGCTGGCCATGGAGGAAGTAGGCAGCTGACAGAA-3'